The following is an entry in ClinVar:

NM_001370259.2(MEN1):c.751A>G (p.Thr251Ala)

Gene: MEN1 (menin 1; minus strand). Cytogenetic location: 11q13.1.
Variant type: single nucleotide variant.
Coding change: c.751A>G on transcript NM_001370259.2 (MANE Select); coding-DNA position 751, A replaced by G.
Protein change: p.Thr251Ala; replaces threonine 251 with alanine.
Molecular consequence: missense variant. On other transcripts: non-coding transcript variant (4).
Genome position (GRCh38, 1-based): chr11:64,807,584, T>C on the plus strand (A>G on the coding strand, the complement: MEN1 is on the minus strand). VCF-style: chr11-64807584-T-C. GRCh37 (hg19) VCF-style: chr11-64575056-T-C.
Other names: c.766A>G, p.Thr256Ala (NM_000244.4, NM_001407145.1, NM_001407150.1 and 5 more transcripts); c.751A>G, p.Thr251Ala (NM_001370251.2, NM_001370260.2, NM_001370261.2 and 7 more transcripts); c.646A>G, p.Thr216Ala (NM_001370262.2, NM_001370263.2, NM_001407148.1 and 2 more transcripts); short protein forms T216A, T251A, T256A.
Identifiers: ClinVar variation 2676508 (VCV002676508.6), dbSNP rs2136140703, ClinGen allele CA381184289.

ClinVar aggregate classification (germline): Uncertain significance. Review status: criteria provided, multiple submitters, no conflicts (2 of 4 stars). 3 submissions from 3 submitters: Uncertain significance (3). Last evaluated 2025-04-30.

Conditions:
Multiple endocrine neoplasia, type 1 (MEN1). Also called: MEN I; WERMER SYNDROME; Endocrine adenomatosis multiple; MEN 1; MEA I. Identifiers: Orphanet 652, MedGen C0025267, MeSH D018761, MONDO:0007540, OMIM 131100.
Hereditary cancer-predisposing syndrome. Also called: Tumor predisposition; Neoplastic Syndromes, Hereditary; Hereditary Cancer Syndrome; Hereditary neoplastic syndrome. Identifiers: Orphanet 140162, MedGen C0027672, MeSH D009386, MONDO:0015356.

Submissions (3):

Ambry Genetics
Classification: Uncertain significance for Hereditary cancer-predisposing syndrome. Last evaluated: 2025-04-30. Review status: criteria provided, single submitter. Criteria: Ambry Variant Classification Scheme 2023. Collection method: clinical testing. Allele origin: germline.
Comment: The p.T251A variant (also known as c.751A>G), located in coding exon 3 of the MEN1 gene, results from an A to G substitution at nucleotide position 751. The threonine at codon 251 is replaced by alanine, an amino acid with similar properties. This amino acid position is conserved. In addition, this alteration is predicted to be deleterious by in silico analysis. Since supporting evidence is limited at this time, the clinical significance of this alteration remains unclear.

Labcorp Genetics (formerly Invitae), Labcorp
Classification: Uncertain significance for Multiple endocrine neoplasia, type 1. Last evaluated: 2024-03-21. Review status: criteria provided, single submitter. Criteria: Invitae Variant Classification Sherloc (09022015). Collection method: clinical testing. Allele origin: germline.
Comment: This sequence change replaces threonine, which is neutral and polar, with alanine, which is neutral and non-polar, at codon 251 of the MEN1 protein (p.Thr251Ala). This variant is not present in population databases (gnomAD no frequency). This variant has not been reported in the literature in individuals affected with MEN1-related conditions. Advanced modeling of protein sequence and biophysical properties (such as structural, functional, and spatial information, amino acid conservation, physicochemical variation, residue mobility, and thermodynamic stability) performed at Invitae indicates that this missense variant is expected to disrupt MEN1 protein function with a positive predictive value of 95%. In summary, the available evidence is currently insufficient to determine the role of this variant in disease. Therefore, it has been classified as a Variant of Uncertain Significance.

Baylor Genetics
Classification: Uncertain significance for Multiple Endocrine Neoplasia Type 1. Last evaluated: 2023-08-02. Review status: criteria provided, single submitter. Criteria: ACMG Guidelines, 2015. Collection method: clinical testing. Allele origin: unknown.